The following is an entry in ClinVar:

NM_000548.5(TSC2):c.3327G>T (p.Pro1109=)

Gene: TSC2 (TSC complex subunit 2; plus strand). Cytogenetic location: 16p13.3.
Variant type: single nucleotide variant.
Coding change: c.3327G>T on transcript NM_000548.5 (MANE Select); coding-DNA position 3327, G replaced by T.
Protein change: p.Pro1109=; no amino-acid change (proline 1109 retained).
Molecular consequence: synonymous variant.
Genome position (GRCh38, 1-based): chr16:2,079,599, G>T. VCF-style: chr16-2079599-G-T. GRCh37 (hg19) VCF-style: chr16-2129600-G-T.
Other names: c.3195G>T, p.Pro1065= (NM_001077183.3, NM_001370404.1); c.3327G>T, p.Pro1109= (NM_001114382.3); c.3087G>T, p.Pro1029= (NM_001318827.2); c.3051G>T, p.Pro1017= (NM_001318829.2); c.2595G>T, p.Pro865= (NM_001318831.2); c.3228G>T, p.Pro1076= (NM_001318832.2); c.3198G>T, p.Pro1066= (NM_001363528.2, NM_001370405.1, NM_021055.3).
Identifiers: ClinVar variation 486608 (VCV000486608.14), dbSNP rs45478393, ClinGen allele CA045736.

ClinVar aggregate classification (germline): Benign/Likely benign. Review status: criteria provided, multiple submitters, no conflicts (2 of 4 stars). 3 submissions from 3 submitters: Benign (1); Likely benign (2). Last evaluated 2025-05-28.

Conditions:
Hereditary cancer-predisposing syndrome. Also called: Tumor predisposition; Neoplastic Syndromes, Hereditary; Hereditary Cancer Syndrome; Hereditary neoplastic syndrome. Identifiers: Orphanet 140162, MedGen C0027672, MeSH D009386, MONDO:0015356.
Tuberous sclerosis 2 (TSC2). Identifiers: Orphanet 805, MedGen C1860707, MONDO:0013199, OMIM 613254.

Allele frequency attached by ClinVar (database versions not stated): TOPMed 0.00001.
gnomAD v4.1: 2 of 1,611,358 alleles (0.00012%); highest among the groups gnomAD compares: East Asian, 0.0022%; no homozygotes.

Submissions (3):

Myriad Genetics, Inc.
Classification: Benign for Tuberous sclerosis 2. Last evaluated: 2025-05-28. Review status: criteria provided, single submitter. Criteria: Myriad Autosomal Dominant, Autosomal Recessive and X-Linked Classification Criteria (2023). Collection method: clinical testing. Allele origin: unknown.
Comment: This variant is considered benign. This variant is a silent/synonymous amino acid change and it is not expected to impact splicing.

Labcorp Genetics (formerly Invitae), Labcorp
Classification: Likely benign for Tuberous sclerosis 2. Last evaluated: 2024-08-27. Review status: criteria provided, single submitter. Criteria: Invitae Variant Classification Sherloc (09022015). Collection method: clinical testing. Allele origin: germline.

Ambry Genetics
Classification: Likely benign for Hereditary cancer-predisposing syndrome. Last evaluated: 2016-08-16. Review status: criteria provided, single submitter. Criteria: Ambry Variant Classification Scheme 2023. Collection method: clinical testing. Allele origin: germline.